The following is an entry in ClinVar:

NM_001004416.3(UMODL1):c.2368C>T (p.Arg790Trp)

Gene: UMODL1 (uromodulin like 1; plus strand). Cytogenetic location: 21q22.3.
Variant type: single nucleotide variant.
Coding change: c.2368C>T on transcript NM_001004416.3 (MANE Select); coding-DNA position 2368, C replaced by T.
Protein change: p.Arg790Trp; replaces arginine 790 with tryptophan.
Molecular consequence: missense variant.
Genome position (GRCh38, 1-based): chr21:42,115,878, C>T. VCF-style: chr21-42115878-C-T. GRCh37 (hg19) VCF-style: chr21-43535988-C-T.
Other names: c.2536C>T, p.Arg846Trp (NM_001199527.3); c.2152C>T, p.Arg718Trp (NM_001199528.4); c.2752C>T, p.Arg918Trp (NM_173568.4); short protein forms R718W, R790W, R846W, R918W.
Identifiers: ClinVar variation 2652701 (VCV002652701.24), dbSNP rs200664665, ClinGen allele CA10040099.
Genomic context (GRCh38, chr21:42,115,878, plus strand): 5'-AGTCTGTTATCTAATACAGCACCAATTCCAAATGTGCTTATCCTCCATCCTGCAGCAGCC[C>T]GGAAGCTCATTGGAAAGGTCAGAATCAAAAATGTCAGGTACTCAGAATCCTTTCGCAACG-3'
Protein context (NP_001004416.3, residues 780-800): RAHLKVRTAA[Arg790Trp]KLIGKVRIKN

ClinVar aggregate classification (germline): Likely benign (1 of 4 stars; one submission).

Allele frequency attached by ClinVar (database versions not stated): gnomAD exomes 0.00547; 1000 Genomes Project 0.00100; 1000 Genomes Project 30x 0.00109; TOPMed 0.00338; ExAC 0.00388; ESP Exome Variant Server 0.00498.
gnomAD v4.1: 8,451 of 1,613,676 alleles (0.52%); highest among the groups gnomAD compares: Non-Finnish European, 0.63%; 34 homozygotes.

Submission:

CeGaT Center for Human Genetics Tuebingen
Classification: Likely benign. Last evaluated: 2023-03-01. Review status: criteria provided, single submitter. Criteria: CeGaT Center For Human Genetics Tuebingen Variant Classification Criteria Version 2. Collection method: clinical testing. Allele origin: germline. Affected: yes. Observed: 2 variant alleles.
Comment: UMODL1: BP4, BS2